The following is an entry in ClinVar:

NM_033360.4(KRAS):c.249C>T (p.Ala83=)

Gene: KRAS (KRas proto-oncogene, GTPase; minus strand). Cytogenetic location: 12p12.1.
Variant type: single nucleotide variant.
Coding change: c.249C>T on transcript NM_033360.4 (MANE Plus Clinical); coding-DNA position 249, C replaced by T.
Protein change: p.Ala83=; no amino-acid change (alanine 83 retained).
Molecular consequence: synonymous variant.
Genome position (GRCh38, 1-based): chr12:25,227,275, G>A on the plus strand (C>T on the coding strand, the complement: KRAS is on the minus strand). VCF-style: chr12-25227275-G-A. GRCh37 (hg19) VCF-style: chr12-25380209-G-A.
Other names: p.A83A; c.249C>T, p.Ala83= (NM_001369786.1, NM_001369787.1, NM_004985.5 and 2 more transcripts).
Identifiers: ClinVar variation 40456 (VCV000040456.18), dbSNP rs751117590, ClinGen allele CA6486905.

ClinVar aggregate classification (germline): Conflicting classifications of pathogenicity. Review status: criteria provided, conflicting classifications (1 of 4 stars). 6 submissions from 6 submitters: Uncertain significance (1); Benign (1); Likely benign (3). 1 of the submissions does not count toward it. Last evaluated 2025-05-29.

Conditions:
KRAS-related disorder. Also called: KRAS-related condition; KRAS-related disorders.
Cardiovascular phenotype. Identifiers: MedGen CN230736.
RASopathy. Also called: rasopathies; Noonan spectrum disorder. Identifiers: Orphanet 536391, MedGen C5555857, MONDO:0021060.

Allele frequency attached by ClinVar (database versions not stated): gnomAD 0.00002; gnomAD exomes 0.00002 and 0.00004; ExAC 0.00003; TOPMed 0.00003.
gnomAD v4.1: 54 of 1,613,436 alleles (0.0033%); highest among the groups gnomAD compares: Non-Finnish European, 0.0046%; no homozygotes.

Submissions (6):

Labcorp Genetics (formerly Invitae), Labcorp
Classification: Likely benign for RASopathy. Last evaluated: 2025-05-29. Review status: criteria provided, single submitter. Criteria: Invitae Variant Classification Sherloc (09022015). Collection method: clinical testing. Allele origin: germline.

Blueprint Genetics
Classification: Likely benign. Last evaluated: 2024-05-28. Review status: criteria provided, single submitter. Criteria: ACMG Guidelines, 2015. Collection method: clinical testing. Allele origin: germline.

Ambry Genetics
Classification: Likely benign for Cardiovascular phenotype. Last evaluated: 2023-09-07. Review status: criteria provided, single submitter. Criteria: Ambry Variant Classification Scheme 2023. Collection method: clinical testing. Allele origin: germline.

Institute for Clinical Genetics, University Hospital TU Dresden, University Hospital TU Dresden
Classification: Uncertain significance. Last evaluated: 2021-11-03. Review status: criteria provided, single submitter. Criteria: ACMG Guidelines, 2015. Collection method: clinical testing. Allele origin: germline.

GeneDx
Classification: Benign. Last evaluated: 2015-03-03. Review status: criteria provided, single submitter. Criteria: GeneDx Variant Classification Process June 2021. Collection method: clinical testing. Allele origin: germline. Affected: yes.

PreventionGenetics, part of Exact Sciences
Classification: Likely benign for KRAS-related condition. Last evaluated: 2020-09-29. Review status: no assertion criteria provided. Collection method: clinical testing. Allele origin: germline. Not counted in ClinVar's aggregate classification.
Comment: This variant is classified as likely benign based on ACMG/AMP sequence variant interpretation guidelines (Richards et al. 2015 PMID: 25741868, with internal and published modifications).